The following is an entry in ClinVar:

ClinVar aggregate classification (germline): Uncertain significance (1 of 4 stars; one submission).

Submission:

GeneDx
Classification: Uncertain significance. Last evaluated: 2024-02-12. Review status: criteria provided, single submitter. Criteria: GeneDx Variant Classification Process June 2021. Collection method: clinical testing. Allele origin: germline. Affected: yes.
Comment: Not observed at significant frequency in large population cohorts (gnomAD); In silico analysis supports that this missense variant does not alter protein structure/function; Has not been previously published as pathogenic or benign to our knowledge

NM_012062.5(DNM1L):c.334G>C (p.Glu112Gln)

Gene: DNM1L (dynamin 1 like; plus strand). Cytogenetic location: 12p11.21.
Variant type: single nucleotide variant.
Coding change: c.334G>C on transcript NM_012062.5 (MANE Select); coding-DNA position 334, G replaced by C.
Protein change: p.Glu112Gln; replaces glutamic acid 112 with glutamine.
Molecular consequence: missense variant. On other transcripts: intron variant (1).
Genome position (GRCh38, 1-based): chr12:32,708,189, G>C. VCF-style: chr12-32708189-G-C. GRCh37 (hg19) VCF-style: chr12-32861123-G-C.
Other names: c.334G>C, p.Glu112Gln (NM_001278463.2, NM_005690.5, NM_012063.4); c.373G>C, p.Glu125Gln (NM_001278464.2, NM_001278465.2, NM_001330380.2); c.131+776G>C (NM_001278466.2); short protein forms E112Q, E125Q.
Identifiers: ClinVar variation 3368933 (VCV003368933.1).